The following is an entry in ClinVar:

NM_015151.4(DIP2A):c.496T>G (p.Trp166Gly)

Gene: DIP2A (DIP2 acetate--CoA ligase A; plus strand). Cytogenetic location: 21q22.3.
Variant type: single nucleotide variant.
Coding change: c.496T>G on transcript NM_015151.4 (MANE Select); coding-DNA position 496, T replaced by G.
Protein change: p.Trp166Gly; replaces tryptophan 166 with glycine.
Molecular consequence: missense variant. On other transcripts: intron variant (1).
Genome position (GRCh38, 1-based): chr21:46,498,674, T>G. VCF-style: chr21-46498674-T-G. GRCh37 (hg19) VCF-style: chr21-47918587-T-G.
Other names: c.496T>G, p.Trp166Gly (NM_001146115.2, NM_001146116.2, NM_001353942.2 and 5 more transcripts); c.403+1567T>G (NM_001353944.2); short protein forms W166G.
Identifiers: ClinVar variation 4084419 (VCV004084419.8).

ClinVar aggregate classification (germline): Uncertain significance (1 of 4 stars; one submission).

Submission:

CeGaT Center for Human Genetics Tuebingen
Classification: Uncertain significance. Last evaluated: 2025-08-01. Review status: criteria provided, single submitter. Criteria: CeGaT Center For Human Genetics Tuebingen Variant Classification Criteria Version 2. Collection method: clinical testing. Allele origin: germline. Affected: yes. Observed: 1 variant allele.
Comment: DIP2A: PM2